The following is an entry in ClinVar:

ClinVar aggregate classification (germline): Pathogenic (1 of 4 stars; one submission).

Conditions:
Hereditary pheochromocytoma and paraganglioma. Also called: Hereditary pheochromocytoma-paraganglioma; Hereditary paragangliomas and pheochromocytomas; Hereditary Paraganglioma-Pheochromocytoma Syndromes. Identifiers: Orphanet 29072, MedGen C4274332, MONDO:0017366.

Submission:

Women's Health and Genetics/Laboratory Corporation of America, LabCorp
Classification: Pathogenic for Hereditary pheochromocytoma and paraganglioma. Last evaluated: 2022-07-01. Review status: criteria provided, single submitter. Criteria: LabCorp Variant Classification Summary - May 2015. Collection method: clinical testing. Allele origin: germline.
Comment: Variant summary: SDHB c.305_315del11 (p.Ala102GlufsX13) results in a premature termination codon, predicted to cause a truncation of the encoded protein or absence of the protein due to nonsense mediated decay, which are commonly known mechanisms for disease. Truncations downstream of this position have been classified as pathogenic by our laboratory. The variant was absent in 251434 control chromosomes. c.305_315del11 has been reported in the literature in at least one individual affected with Hereditary Paraganglioma-Pheochromocytoma Syndrome. To our knowledge, no experimental evidence demonstrating an impact on protein function has been reported. No clinical diagnostic laboratories have submitted clinical-significance assessments for this variant to ClinVar after 2014. Based on the evidence outlined above, the variant was classified as pathogenic.

Literature cited by the submitters: PubMed 26370861.

NM_003000.3(SDHB):c.305_315del (p.Ala102fs)

Gene: SDHB (succinate dehydrogenase complex iron sulfur subunit B; minus strand). Cytogenetic location: 1p36.13.
Variant type: Deletion.
Coding change: c.305_315del on transcript NM_003000.3 (MANE Select); coding-DNA positions 305 to 315, 11 bases deleted (CAATGAACATC).
Protein change: p.Ala102fs; shifts the reading frame from alanine 102.
Molecular consequence: frameshift variant.
Genome position (GRCh38, 1-based): chr1:17,028,708-17,028,718, GATGTTCATTG deleted on the plus strand (CAATGAACATC on the coding strand, the reverse complement: SDHB is on the minus strand). VCF-style (leftmost placement, unchanged base first): chr1-17028707-TGATGTTCATTG-T. GRCh37 (hg19) VCF-style: chr1-17355202-TGATGTTCATTG-T.
Other names: c.305_315delCAATGAACATC, p.Ala102Glufs (NM_001407361.1); c.305_315del11 (NM_003000.2); short protein forms A102fs.
Identifiers: ClinVar variation 1704532 (VCV001704532.1), dbSNP rs2525020788, ClinGen allele CA2580060626.